The following is an entry in ClinVar:

NM_001039141.3(TRIOBP):c.365T>C (p.Leu122Ser)

Gene: TRIOBP (TRIO and F-actin binding protein; plus strand). Cytogenetic location: 22q13.1.
Variant type: single nucleotide variant.
Coding change: c.365T>C on transcript NM_001039141.3 (MANE Select); coding-DNA position 365, T replaced by C.
Protein change: p.Leu122Ser; replaces leucine 122 with serine.
Molecular consequence: missense variant.
Genome position (GRCh38, 1-based): chr22:37,713,320, T>C. VCF-style: chr22-37713320-T-C. GRCh37 (hg19) VCF-style: chr22-38109327-T-C.
Other names: short protein forms L122S.
Identifiers: ClinVar variation 790776 (VCV000790776.10), dbSNP rs200701262, ClinGen allele CA10223321.

ClinVar aggregate classification (germline): Likely benign. Review status: criteria provided, multiple submitters, no conflicts (2 of 4 stars). 3 submissions from 3 submitters: Likely benign (2). 1 of the submissions does not count toward it. Last evaluated 2025-09-10.

Conditions:
TRIOBP-related disorder. Also called: TRIOBP-related condition.

Allele frequency attached by ClinVar (database versions not stated): 1000 Genomes Project 30x 0.00047; gnomAD 0.00083 and 0.00093; TOPMed 0.00094; ESP Exome Variant Server 0.00095; gnomAD exomes 0.00009 and 0.00020; ExAC 0.00022; 1000 Genomes Project 0.00040.

Submissions (3):

Labcorp Genetics (formerly Invitae), Labcorp
Classification: Likely benign. Last evaluated: 2025-09-10. Review status: criteria provided, single submitter. Criteria: Invitae Variant Classification Sherloc (09022015). Collection method: clinical testing. Allele origin: germline.

GeneDx
Classification: Likely benign. Last evaluated: 2021-02-16. Review status: criteria provided, single submitter. Criteria: GeneDx Variant Classification Process June 2021. Collection method: clinical testing. Allele origin: germline. Affected: yes.

PreventionGenetics, part of Exact Sciences
Classification: Likely benign for TRIOBP-related condition. Last evaluated: 2024-09-06. Review status: no assertion criteria provided. Collection method: clinical testing. Allele origin: germline. Not counted in ClinVar's aggregate classification.
Comment: This variant is classified as likely benign based on ACMG/AMP sequence variant interpretation guidelines (Richards et al. 2015 PMID: 25741868, with internal and published modifications).